The following is an entry in ClinVar:

NM_031885.5(BBS2):c.566G>A (p.Arg189Gln)

Gene: BBS2 (Bardet-Biedl syndrome 2; minus strand). Cytogenetic location: 16q13.
Variant type: single nucleotide variant.
Coding change: c.566G>A on transcript NM_031885.5 (MANE Select); coding-DNA position 566, G replaced by A.
Protein change: p.Arg189Gln; replaces arginine 189 with glutamine.
Molecular consequence: missense variant. On other transcripts: non-coding transcript variant (5).
Genome position (GRCh38, 1-based): chr16:56,510,003, C>T on the plus strand (G>A on the coding strand, the complement: BBS2 is on the minus strand). VCF-style: chr16-56510003-C-T. GRCh37 (hg19) VCF-style: chr16-56543915-C-T.
Other names: c.566G>A, p.Arg189Gln (NM_001377456.1); short protein forms R189Q.
Identifiers: ClinVar variation 1939259 (VCV001939259.2), dbSNP rs183275652, ClinGen allele CA395984061.

ClinVar aggregate classification (germline): Uncertain significance (1 of 4 stars; one submission).

Conditions:
Bardet-Biedl syndrome (BBS). Identifiers: Orphanet 110, MedGen C0752166, MONDO:0015229.

gnomAD v4.1: 4 of 1,614,070 alleles (0.00025%); highest among the groups gnomAD compares: Non-Finnish European, 0.000085%; no homozygotes.

Submission:

Labcorp Genetics (formerly Invitae), Labcorp
Classification: Uncertain significance for Bardet-Biedl syndrome. Last evaluated: 2022-04-18. Review status: criteria provided, single submitter. Criteria: Invitae Variant Classification Sherloc (09022015). Collection method: clinical testing. Allele origin: germline.
Comment: This sequence change replaces arginine, which is basic and polar, with glutamine, which is neutral and polar, at codon 189 of the BBS2 protein (p.Arg189Gln). This variant is present in population databases (no rsID available, gnomAD 0.004%). This variant has not been reported in the literature in individuals affected with BBS2-related conditions. Algorithms developed to predict the effect of missense changes on protein structure and function (SIFT, PolyPhen-2, Align-GVGD) all suggest that this variant is likely to be disruptive. In summary, the available evidence is currently insufficient to determine the role of this variant in disease. Therefore, it has been classified as a Variant of Uncertain Significance.